The following is an entry in ClinVar:

NM_020922.5(WNK3):c.2383G>A (p.Val795Met)

Gene: WNK3 (WNK lysine deficient protein kinase 3; minus strand). Cytogenetic location: Xp11.22.
Variant type: single nucleotide variant.
Coding change: c.2383G>A on transcript NM_020922.5 (MANE Select); coding-DNA position 2383, G replaced by A.
Protein change: p.Val795Met; replaces valine 795 with methionine.
Molecular consequence: missense variant.
Genome position (GRCh38, 1-based): chrX:54,251,672, C>T on the plus strand (G>A on the coding strand, the complement: WNK3 is on the minus strand). VCF-style: chrX-54251672-C-T. GRCh37 (hg19) VCF-style: chrX-54278105-C-T.
Other names: c.2383G>A, p.Val795Met (NM_001002838.4, NM_001395166.1); short protein forms V795M.
Identifiers: ClinVar variation 4822049 (VCV004822049.4).

ClinVar aggregate classification (germline): Likely benign (1 of 4 stars; one submission).

gnomAD v4.1: 21 of 1,208,829 alleles (0.0017%); highest among the groups gnomAD compares: Non-Finnish European, 0.0022%; no homozygotes.

Submission:

CeGaT Center for Human Genetics Tuebingen
Classification: Likely benign. Last evaluated: 2026-03-01. Review status: criteria provided, single submitter. Criteria: CeGaT Center For Human Genetics Tuebingen Variant Classification Criteria Version 2. Collection method: clinical testing. Allele origin: germline. Affected: yes. Observed: 1 variant allele.
Comment: WNK3: BS2